The following is an entry in ClinVar:

NM_153240.5(NPHP3):c.548T>C (p.Ile183Thr)

Genes: NPHP3 (nephrocystin 3; minus strand), NPHP3-ACAD11 (NPHP3-ACAD11 readthrough (NMD candidate); minus strand). Cytogenetic location: 3q22.1.
Variant type: single nucleotide variant.
Coding change: c.548T>C on transcript NM_153240.5 (MANE Select); coding-DNA position 548, T replaced by C.
Protein change: p.Ile183Thr; replaces isoleucine 183 with threonine.
Molecular consequence: missense variant. On other transcripts: non-coding transcript variant (1).
Genome position (GRCh38, 1-based): chr3:132,719,116, A>G on the plus strand (T>C on the coding strand, the complement: NPHP3 is on the minus strand). VCF-style: chr3-132719116-A-G. GRCh37 (hg19) VCF-style: chr3-132437960-A-G.
Other names: c.548T>C (NM_153240.4); short protein forms I183T.
Identifiers: ClinVar variation 1461332 (VCV001461332.8), dbSNP rs563850993, ClinGen allele CA2622560.

ClinVar aggregate classification (germline): Uncertain significance. Review status: criteria provided, multiple submitters, no conflicts (2 of 4 stars). 3 submissions from 3 submitters: Uncertain significance (3). Last evaluated 2024-10-25.

Conditions:
Inborn genetic diseases. Identifiers: MedGen C0950123, MeSH D030342.
Nephronophthisis. Also called: Juvenile Nephronophthisis. Identifiers: Orphanet 655, MedGen C0687120, MONDO:0019005, HP:0000090.

Allele frequency attached by ClinVar (database versions not stated): gnomAD 0.00003; gnomAD exomes 0.00003 and 0.00006; ExAC 0.00007; 1000 Genomes Project 30x 0.00016; 1000 Genomes Project 0.00020.
gnomAD v4.1: 40 of 1,612,694 alleles (0.0025%); highest among the groups gnomAD compares: South Asian, 0.044%; no homozygotes.

Submissions (3):

Blueprint Genetics
Classification: Uncertain significance. Last evaluated: 2024-10-25. Review status: criteria provided, single submitter. Criteria: ACMG Guidelines, 2015. Collection method: clinical testing. Allele origin: germline.

Ambry Genetics
Classification: Uncertain significance for Inborn genetic diseases. Last evaluated: 2022-07-27. Review status: criteria provided, single submitter. Criteria: Ambry Variant Classification Scheme 2023. Collection method: clinical testing. Allele origin: germline.

Labcorp Genetics (formerly Invitae), Labcorp
Classification: Uncertain significance for Nephronophthisis. Last evaluated: 2020-12-03. Review status: criteria provided, single submitter. Criteria: Invitae Variant Classification Sherloc (09022015). Collection method: clinical testing. Allele origin: germline.
Comment: In summary, the available evidence is currently insufficient to determine the role of this variant in disease. Therefore, it has been classified as a Variant of Uncertain Significance. Algorithms developed to predict the effect of missense changes on protein structure and function are either unavailable or do not agree on the potential impact of this missense change (SIFT: "Deleterious"; PolyPhen-2: "Possibly Damaging"; Align-GVGD: "Class C0"). This variant has not been reported in the literature in individuals with NPHP3-related conditions. This variant is present in population databases (rs563850993, ExAC 0.05%). This sequence change replaces isoleucine with threonine at codon 183 of the NPHP3 protein (p.Ile183Thr). The isoleucine residue is highly conserved and there is a moderate physicochemical difference between isoleucine and threonine.